The following is an entry in ClinVar:

NM_003283.6(TNNT1):c.128+17T>G

Gene: TNNT1 (troponin T1, slow skeletal type; minus strand). Cytogenetic location: 19q13.42.
Variant type: single nucleotide variant.
Coding change: c.128+17T>G on transcript NM_003283.6 (MANE Select); 17 bases into the intron after coding-DNA position 128, T replaced by G.
Molecular consequence: intron variant.
Genome position (GRCh38, 1-based): chr19:55,145,527, A>C on the plus strand (T>G on the coding strand, the complement: TNNT1 is on the minus strand). VCF-style: chr19-55145527-A-C. GRCh37 (hg19) VCF-style: chr19-55656895-A-C.
Other names: c.95+17T>G (NM_001126133.3, NM_001291774.2); c.128+17T>G (NM_001126132.3).
Identifiers: ClinVar variation 259029 (VCV000259029.11), dbSNP rs201135309, ClinGen allele CA9667587.

ClinVar aggregate classification (germline): Likely benign. Review status: criteria provided, multiple submitters, no conflicts (2 of 4 stars). 4 submissions from 4 submitters: Likely benign (4). Last evaluated 2026-01-27.

Conditions:
Nemaline myopathy 5 (NEM5A). Also called: NEMALINE MYOPATHY, AMISH TYPE; NEMALINE MYOPATHY 5A, AUTOSOMAL RECESSIVE, SEVERE INFANTILE; Nemaline myopathy 5, Amish type. Identifiers: Orphanet 98902, MedGen C1854380, MONDO:0011539, OMIM 605355.

Allele frequency attached by ClinVar (database versions not stated): ESP Exome Variant Server 0.00069; ExAC 0.00074; gnomAD exomes 0.00083 and 0.00167; gnomAD 0.00099 and 0.00101; TOPMed 0.00099; 1000 Genomes Project 0.00100; 1000 Genomes Project 30x 0.00125.
gnomAD v4.1: 2,600 of 1,613,430 alleles (0.16%); highest among the groups gnomAD compares: Non-Finnish European, 0.2%; 2 homozygotes.

Submissions (4):

Labcorp Genetics (formerly Invitae), Labcorp
Classification: Likely benign for Nemaline myopathy 5. Last evaluated: 2026-01-27. Review status: criteria provided, single submitter. Criteria: Invitae Variant Classification Sherloc (09022015). Collection method: clinical testing. Allele origin: germline.

Blueprint Genetics
Classification: Likely benign. Last evaluated: 2024-11-21. Review status: criteria provided, single submitter. Criteria: ACMG Guidelines, 2015. Collection method: clinical testing. Allele origin: germline.

GeneDx
Classification: Likely benign. Last evaluated: 2017-07-18. Review status: criteria provided, single submitter. Criteria: GeneDx Variant Classification (06012015). Collection method: clinical testing. Allele origin: germline. Affected: yes.
Comment: This variant is considered likely benign or benign based on one or more of the following criteria: it is a conservative change, it occurs at a poorly conserved position in the protein, it is predicted to be benign by multiple in silico algorithms, and/or has population frequency not consistent with disease.

PreventionGenetics, part of Exact Sciences
Classification: Likely benign. Review status: criteria provided, single submitter. Criteria: ACMG Guidelines, 2015. Collection method: clinical testing. Allele origin: germline.